The following is an entry in ClinVar:

NM_001003722.2(GLE1):c.529del (p.Glu177fs)

Gene: GLE1 (GLE1 RNA export mediator; plus strand). Cytogenetic location: 9q34.11.
Variant type: Deletion.
Coding change: c.529del on transcript NM_001003722.2 (MANE Select); coding-DNA position 529, one base deleted (G; older notation c.529delG).
Protein change: p.Glu177fs; shifts the reading frame from glutamic acid 177.
Molecular consequence: frameshift variant.
Genome position (GRCh38, 1-based): chr9:128,522,764, G deleted; the last of 2 consecutive G bases (chr9:128,522,763-128,522,764); deleting either gives the same sequence. VCF-style (leftmost placement, unchanged base first): chr9-128522762-AG-A. GRCh37 (hg19) VCF-style: chr9-131285041-AG-A.
Other names: c.529del, p.Glu177fs (NM_001411013.1, NM_001499.2); short protein forms E177fs.
Identifiers: ClinVar variation 4814500 (VCV004814500.1).
Genomic context (GRCh38, chr9:128,522,762, plus strand): 5'-GGAAGGTGCAAGCCCTCTCGGAGATGGCATCTGAACAACTGAAGCGGTTTGATGAATGGA[AG>A]GAACTGAAGCAGCATAAAGAATTCCAGGACTTGCGGGAAGTAATGGAGAAGAGGTGAGTC-3'

ClinVar aggregate classification (germline): Likely pathogenic (1 of 4 stars; one submission).

Conditions:
Lethal congenital contractural syndrome Finnish type.

Submission:

Natera, Inc.
Classification: Likely pathogenic for Lethal congenital contractural syndrome Finnish type. Last evaluated: 2024-02-21. Review status: criteria provided, single submitter. Criteria: Natera Variant Classification Schema (03/2026). Collection method: clinical testing. Allele origin: germline.
Comment: The c.529delG variant in GLE1 is a frameshift variant predicted to shift the reading frame beginning at codon 177 and leads to a stop codon 2 codons downstream. This variant is expected to result in nonsense mediated decay, truncation, or a dysfunctional protein product. This variant is rare in the general population with a frequency below the threshold expected for the associated phenotype(s). Given the available evidence, this variant is classified as Likely Pathogenic.